The following is an entry in ClinVar:

NM_000038.6(APC):c.3148G>T (p.Ala1050Ser)

Gene: APC (APC regulator of WNT signaling pathway; plus strand). Cytogenetic location: 5q22.2.
Variant type: single nucleotide variant.
Coding change: c.3148G>T on transcript NM_000038.6 (MANE Select); coding-DNA position 3148, G replaced by T.
Protein change: p.Ala1050Ser; replaces alanine 1050 with serine.
Molecular consequence: missense variant.
Genome position (GRCh38, 1-based): chr5:112,838,742, G>T. VCF-style: chr5-112838742-G-T. GRCh37 (hg19) VCF-style: chr5-112174439-G-T.
Other names: c.3148G>T, p.Ala1050Ser (NM_001127510.3, NM_001354895.2, NM_001407450.1); c.3094G>T, p.Ala1032Ser (NM_001127511.3); c.3202G>T, p.Ala1068Ser (NM_001354896.2, NM_001407447.1, NM_001407448.1 and 1 more transcripts); c.3178G>T, p.Ala1060Ser (NM_001354897.2); c.3073G>T, p.Ala1025Ser (NM_001354898.2); c.3064G>T, p.Ala1022Ser (NM_001354899.2); c.3025G>T, p.Ala1009Ser (NM_001354900.2); c.2971G>T, p.Ala991Ser (NM_001354901.2, NM_001407453.1); and 11 more; short protein forms A1009S, A1050S, A1060S, A767S, A921S, A991S, A1022S, A1043S.
Identifiers: ClinVar variation 2136052 (VCV002136052.1), dbSNP rs779121077, ClinGen allele CA16028233.

ClinVar aggregate classification (germline): Uncertain significance (1 of 4 stars; one submission).

Submission:

GeneDx
Classification: Uncertain significance. Last evaluated: 2022-07-21. Review status: criteria provided, single submitter. Criteria: GeneDx Variant Classification Process June 2021. Collection method: clinical testing. Allele origin: germline. Affected: yes.
Comment: Not observed at significant frequency in large population cohorts (gnomAD); In silico analysis supports that this missense variant does not alter protein structure/function; Has not been previously published as pathogenic or benign to our knowledge; This variant is associated with the following publications: (PMID: 18199528)